The following is an entry in ClinVar:

ClinVar aggregate classification (germline): Uncertain significance. Review status: criteria provided, multiple submitters, no conflicts (2 of 4 stars). 3 submissions from 3 submitters: Uncertain significance (3). Last evaluated 2025-02-20.

Conditions:
Brody myopathy. Also called: BRODY DISEASE. Identifiers: Orphanet 53347, MedGen C1832918, MONDO:0010977, OMIM 601003.
Inborn genetic diseases. Identifiers: MedGen C0950123, MeSH D030342.

Allele frequency attached by ClinVar (database versions not stated): TOPMed 0.00002.

Submissions (3):

GeneDx
Classification: Uncertain significance. Last evaluated: 2025-02-20. Review status: criteria provided, single submitter. Criteria: GeneDx Variant Classification Process June 2021. Collection method: clinical testing. Allele origin: germline. Affected: yes.
Comment: In silico analysis indicates that this missense variant does not alter protein structure/function; Has not been previously published as pathogenic or benign to our knowledge

Ambry Genetics
Classification: Uncertain significance for Inborn genetic diseases. Last evaluated: 2022-08-02. Review status: criteria provided, single submitter. Criteria: Ambry Variant Classification Scheme 2023. Collection method: clinical testing. Allele origin: germline.

Labcorp Genetics (formerly Invitae), Labcorp
Classification: Uncertain significance for Brody myopathy. Last evaluated: 2022-06-23. Review status: criteria provided, single submitter. Criteria: Invitae Variant Classification Sherloc (09022015). Collection method: clinical testing. Allele origin: germline.
Comment: This sequence change replaces isoleucine, which is neutral and non-polar, with leucine, which is neutral and non-polar, at codon 99 of the ATP2A1 protein (p.Ile99Leu). This variant is present in population databases (rs758104818, gnomAD 0.04%). This variant has not been reported in the literature in individuals affected with ATP2A1-related conditions. ClinVar contains an entry for this variant (Variation ID: 642983). Algorithms developed to predict the effect of missense changes on protein structure and function are either unavailable or do not agree on the potential impact of this missense change (SIFT: "Deleterious"; PolyPhen-2: "Probably Damaging"; Align-GVGD: "Class C0"). In summary, the available evidence is currently insufficient to determine the role of this variant in disease. Therefore, it has been classified as a Variant of Uncertain Significance.

NM_004320.6(ATP2A1):c.295A>C (p.Ile99Leu)

Gene: ATP2A1 (ATPase sarcoplasmic/endoplasmic reticulum Ca2+ transporting 1; plus strand). Cytogenetic location: 16p11.2.
Variant type: single nucleotide variant.
Coding change: c.295A>C on transcript NM_004320.6 (MANE Select); coding-DNA position 295, A replaced by C.
Protein change: p.Ile99Leu; replaces isoleucine 99 with leucine.
Molecular consequence: missense variant. On other transcripts: 5 prime UTR variant (1).
Genome position (GRCh38, 1-based): chr16:28,880,990, A>C. VCF-style: chr16-28880990-A-C. GRCh37 (hg19) VCF-style: chr16-28892311-A-C.
Other names: c.-81A>C (NM_001286075.2); c.295A>C, p.Ile99Leu (NM_173201.5); short protein forms I99L.
Identifiers: ClinVar variation 642983 (VCV000642983.6), dbSNP rs758104818, ClinGen allele CA7986595.
Genomic context (GRCh38, chr16:28,880,990, plus strand): 5'-GAGGAAGGTGAAGAGACCATCACTGCCTTTGTTGAACCCTTTGTCATCCTCTTGATCCTC[A>C]TTGCCAATGCCATCGTGGGGGTTTGGCAGGTTAGCGTTGACCCTTCCTTACCCCTTCATG-3'
Protein context (NP_004311.1, residues 89-109): VEPFVILLIL[Ile99Leu]ANAIVGVWQE